The following is an entry in ClinVar:

NM_000179.3(MSH6):c.2479_2481del (p.Asn827del)

Gene: MSH6 (mutS homolog 6; plus strand). Cytogenetic location: 2p16.3.
Variant type: Deletion.
Coding change: c.2479_2481del on transcript NM_000179.3 (MANE Select); coding-DNA positions 2479 to 2481, 3 bases deleted (AAT; older notation c.2479_2481delAAT).
Protein change: p.Asn827del; deletes asparagine 827.
Molecular consequence: inframe deletion.
Genome position (GRCh38, 1-based): chr2:47,800,462-47,800,464, AAT deleted; deleting any 3 consecutive bases within chr2:47,800,460-47,800,464 gives the same sequence; the c. name uses the placement nearest the transcript's 3' end. VCF-style (leftmost placement, unchanged base first): chr2-47800459-CATA-C. GRCh37 (hg19) VCF-style: chr2-48027598-CATA-C.
Other names: c.2089_2091del, p.Asn697del (NM_001281492.2); c.1573_1575del, p.Asn525del (NM_001281493.2, NM_001281494.2); c.2479_2481delAAT (NM_000179.2); short protein forms N827del, N525del, N697del.
Identifiers: ClinVar variation 455201 (VCV000455201.11), dbSNP rs1553413826, ClinGen allele CA658655816.

ClinVar aggregate classification (germline): Uncertain significance. Review status: criteria provided, multiple submitters, no conflicts (2 of 4 stars). 3 submissions from 3 submitters: Uncertain significance (3). Last evaluated 2025-10-10.

Conditions:
Hereditary nonpolyposis colorectal neoplasms. Identifiers: MedGen C0009405, MeSH D003123.
Hereditary cancer-predisposing syndrome. Also called: Hereditary Cancer Syndrome; Hereditary neoplastic syndrome; Neoplastic Syndromes, Hereditary; Tumor predisposition. Identifiers: Orphanet 140162, MedGen C0027672, MeSH D009386, MONDO:0015356.

Submissions (3):

Ambry Genetics
Classification: Uncertain significance for Hereditary cancer-predisposing syndrome. Last evaluated: 2025-10-10. Review status: criteria provided, single submitter. Criteria: Ambry Variant Classification Scheme 2023. Collection method: clinical testing. Allele origin: germline.
Comment: The c.2479_2481delAAT variant (also known as p.N827del) is located in coding exon 4 of the MSH6 gene. This variant results from an in-frame AAT deletion at nucleotide positions 2479 to 2481. This results in the in-frame deletion of an asparagine at codon 827. This amino acid position is not well conserved in available vertebrate species. In addition, this variant is predicted to be deleterious by in silico analysis (Choi Y et al. PLoS ONE. 2012; 7(10):e46688). Based on the available evidence, the clinical significance of this variant remains unclear.

Color Diagnostics, LLC DBA Color Health
Classification: Uncertain significance for Hereditary cancer-predisposing syndrome. Last evaluated: 2025-06-11. Review status: criteria provided, single submitter. Criteria: ACMG Guidelines, 2015. Collection method: clinical testing. Allele origin: germline.
Comment: This variant results in a single amino acid deletion at codon 827 in the MSH6 protein. To our knowledge, functional studies have not been reported for this variant. This variant has not been reported in individuals affected with MSH6-related disorders in the literature. This variant has not been identified in the general population by the Genome Aggregation Database (gnomAD). The available evidence is insufficient to determine the role of this variant in disease conclusively. Therefore, this variant is classified as a Variant of Uncertain Significance.

Labcorp Genetics (formerly Invitae), Labcorp
Classification: Uncertain significance for Hereditary nonpolyposis colorectal neoplasms. Last evaluated: 2021-12-09. Review status: criteria provided, single submitter. Criteria: Invitae Variant Classification Sherloc (09022015). Collection method: clinical testing. Allele origin: germline.
Comment: This variant, c.2479_2481del, results in the deletion of 1 amino acid(s) of the MSH6 protein (p.Asn827del), but otherwise preserves the integrity of the reading frame. This variant is not present in population databases (gnomAD no frequency). This variant has not been reported in the literature in individuals affected with MSH6-related conditions. ClinVar contains an entry for this variant (Variation ID: 455201). Experimental studies and prediction algorithms are not available or were not evaluated, and the functional significance of this variant is currently unknown. In summary, the available evidence is currently insufficient to determine the role of this variant in disease. Therefore, it has been classified as a Variant of Uncertain Significance.